The following is an entry in ClinVar:

NM_015122.3(FCHO1):c.2587G>A (p.Asp863Asn)

Gene: FCHO1 (FCH and mu domain containing endocytic adaptor 1; plus strand). Cytogenetic location: 19p13.11.
Variant type: single nucleotide variant.
Coding change: c.2587G>A on transcript NM_015122.3 (MANE Select); coding-DNA position 2587, G replaced by A.
Protein change: p.Asp863Asn; replaces aspartic acid 863 with asparagine.
Molecular consequence: missense variant. On other transcripts: non-coding transcript variant (36).
Genome position (GRCh38, 1-based): chr19:17,787,786, G>A. VCF-style: chr19-17787786-G-A. GRCh37 (hg19) VCF-style: chr19-17898595-G-A.
Other names: c.2566G>A, p.Asp856Asn (NM_001384387.1); c.2548G>A, p.Asp850Asn (NM_001384388.1, NM_001384389.1); c.2512G>A, p.Asp838Asn (NM_001384390.1); c.2387G>A, p.Gly796Glu (NM_001384391.1); c.2470G>A, p.Asp824Asn (NM_001384392.1, NM_001384393.1, NM_001384394.1 and 1 more transcripts); c.2311G>A, p.Asp771Asn (NM_001384396.1, NM_001384397.1, NM_001384398.1 and 4 more transcripts); c.1961G>A, p.Gly654Glu (NM_001384406.1); c.1684G>A, p.Asp562Asn (NM_001384407.1); and 5 more; short protein forms D562N, D739N, D756N, D771N, D813N, D824N, D838N, D850N.
Identifiers: ClinVar variation 5041379 (VCV005041379.1).

ClinVar aggregate classification (germline): Uncertain significance (1 of 4 stars; one submission).

Submission:

CeGaT Center for Human Genetics Tuebingen
Classification: Uncertain significance. Last evaluated: 2026-09-01. Review status: criteria provided, single submitter. Criteria: CeGaT Center For Human Genetics Tuebingen Variant Classification Criteria Version 2. Collection method: clinical testing. Allele origin: germline. Affected: yes. Observed: 1 variant allele.
Comment: FCHO1: PM2